The following is an entry in ClinVar:

NM_001540.5(HSPB1):c.395G>T (p.Gly132Val)

Gene: HSPB1 (heat shock protein family B (small) member 1; plus strand). Cytogenetic location: 7q11.23.
Variant type: single nucleotide variant.
Coding change: c.395G>T on transcript NM_001540.5 (MANE Select); coding-DNA position 395, G replaced by T.
Protein change: p.Gly132Val; replaces glycine 132 with valine.
Molecular consequence: missense variant.
Genome position (GRCh38, 1-based): chr7:76,303,832, G>T. VCF-style: chr7-76303832-G-T. GRCh37 (hg19) VCF-style: chr7-75933149-G-T.
Other names: short protein forms G132V.
Identifiers: ClinVar variation 2502273 (VCV002502273.2), dbSNP rs776122496, ClinGen allele CA367765426.

ClinVar aggregate classification (germline): Uncertain significance (1 of 4 stars; one submission).

Conditions:
Charcot-Marie-Tooth disease axonal type 2F (CMT2F). Also called: Charcot-Marie-Tooth Neuropathy Type 2F; CHARCOT-MARIE-TOOTH DISEASE, NEURONAL, TYPE 2F. Identifiers: Orphanet 99940, MedGen C1847823, MONDO:0011687, OMIM 606595.

Submission:

Gemeinschaftspraxis fuer Humangenetik Dresden
Classification: Uncertain significance for Charcot-Marie-Tooth disease axonal type 2F. Last evaluated: 2022-12-23. Review status: criteria provided, single submitter. Criteria: ACMG Guidelines, 2015. Collection method: clinical testing. Allele origin: germline. Inheritance: Autosomal dominant inheritance. Affected: yes.
Comment: The variant c.395G>T, p.(Gly132Val) is not reported in HGMD 2022.4, gnomAD (v2.1.1), dbSNP (v155) or LOVD (we submitted there) so far. In summary, the variant should currently be classified as uncertain significance.